The following is an entry in ClinVar:

ClinVar aggregate classification (germline): Likely pathogenic (1 of 4 stars; one submission).

Submission:

Labcorp Genetics (formerly Invitae), Labcorp
Classification: Likely pathogenic. Last evaluated: 2021-08-16. Review status: criteria provided, single submitter. Criteria: Invitae Variant Classification Sherloc (09022015). Collection method: clinical testing. Allele origin: germline.
Comment: This sequence change replaces leucine with proline at codon 85 of the PPOX protein (p.Leu85Pro). The leucine residue is moderately conserved and there is a moderate physicochemical difference between leucine and proline. This variant is not present in population databases (ExAC no frequency). This variant has been observed in individuals with clinical features of variegate porphyria (PMID: 10486317; Invitae). Algorithms developed to predict the effect of missense changes on protein structure and function are either unavailable or do not agree on the potential impact of this missense change (SIFT: "Tolerated"; PolyPhen-2: "Probably Damaging"; Align-GVGD: "Class C0"). Experimental studies have shown that this variant affects PPOX protein function (PMID: 11929051, 21048046). In summary, the currently available evidence indicates that the variant is pathogenic, but additional data are needed to prove that conclusively. Therefore, this variant has been classified as Likely Pathogenic.

Literature cited by the submitters: PubMed 10486317; PubMed 11929051; PubMed 21048046.

NM_001122764.3(PPOX):c.254T>C (p.Leu85Pro)

Gene: PPOX (protoporphyrinogen oxidase; plus strand). Cytogenetic location: 1q23.3.
Variant type: single nucleotide variant.
Coding change: c.254T>C on transcript NM_001122764.3 (MANE Select); coding-DNA position 254, T replaced by C.
Protein change: p.Leu85Pro; replaces leucine 85 with proline.
Molecular consequence: missense variant. On other transcripts: 5 prime UTR variant (3), intron variant (2).
Genome position (GRCh38, 1-based): chr1:161,167,402, T>C. VCF-style: chr1-161167402-T-C. GRCh37 (hg19) VCF-style: chr1-161137192-T-C.
Other names: c.254T>C, p.Leu85Pro (NM_000309.5, NM_001365398.1, NM_001365399.1); c.269T>C, p.Leu90Pro (NM_001350128.2); c.-174T>C (NM_001350129.2); c.-233T>C (NM_001350130.2); c.-119T>C (NM_001350131.2); c.-90+168T>C (NM_001365400.1); c.-149+168T>C (NM_001365401.1); short protein forms L85P, L90P.
Identifiers: ClinVar variation 1472461 (VCV001472461.8), dbSNP rs910986823, ClinGen allele CA343352497.